The following is an entry in ClinVar:

NM_017780.4(CHD7):c.4824G>C (p.Arg1608Ser)

Gene: CHD7 (chromodomain helicase DNA binding protein 7; plus strand). Cytogenetic location: 8q12.2.
Variant type: single nucleotide variant.
Coding change: c.4824G>C on transcript NM_017780.4 (MANE Select); coding-DNA position 4824, G replaced by C.
Protein change: p.Arg1608Ser; replaces arginine 1608 with serine.
Molecular consequence: missense variant. On other transcripts: intron variant (1).
Genome position (GRCh38, 1-based): chr8:60,842,026, G>C. VCF-style: chr8-60842026-G-C. GRCh37 (hg19) VCF-style: chr8-61754585-G-C.
Other names: c.1717-20203G>C (NM_001316690.1); short protein forms R1608S.
Identifiers: ClinVar variation 3365591 (VCV003365591.1).

ClinVar aggregate classification (germline): Uncertain significance (1 of 4 stars; one submission).

gnomAD v4.1: 1 of 1,613,504 alleles (0.000062%); highest among the groups gnomAD compares: Non-Finnish European, 0.000085%; no homozygotes.

Submission:

GeneDx
Classification: Uncertain significance. Last evaluated: 2023-12-13. Review status: criteria provided, single submitter. Criteria: GeneDx Variant Classification Process June 2021. Collection method: clinical testing. Allele origin: germline. Affected: yes.
Comment: Not observed at significant frequency in large population cohorts (gnomAD); In silico analysis supports that this missense variant has a deleterious effect on protein structure/function; Has not been previously published as pathogenic or benign to our knowledge